The following is an entry in ClinVar:

NM_015450.3(POT1):c.1353T>A (p.Cys451Ter)

Gene: POT1 (protection of telomeres 1; minus strand). Cytogenetic location: 7q31.33.
Variant type: single nucleotide variant.
Coding change: c.1353T>A on transcript NM_015450.3 (MANE Select); coding-DNA position 1353, T replaced by A.
Protein change: p.Cys451Ter; replaces cysteine 451 with a stop codon.
Molecular consequence: nonsense. On other transcripts: non-coding transcript variant (3).
Genome position (GRCh38, 1-based): chr7:124,840,989, A>T on the plus strand (T>A on the coding strand, the complement: POT1 is on the minus strand). VCF-style: chr7-124840989-A-T. GRCh37 (hg19) VCF-style: chr7-124481043-A-T.
Other names: c.960T>A, p.Cys320Ter (NM_001042594.2); short protein forms C451*, C320*.
Identifiers: ClinVar variation 4729716 (VCV004729716.2).

ClinVar aggregate classification (germline): Pathogenic/Likely pathogenic. Review status: criteria provided, multiple submitters, no conflicts (2 of 4 stars). 2 submissions from 2 submitters: Pathogenic (1); Likely pathogenic (1). Last evaluated 2025-10-23.

Conditions:
Tumor predisposition syndrome 3 (TPDS3). Also called: Melanoma, cutaneous malignant, susceptibility to, 10; LONG TELOMERE SYNDROME, POT1-RELATED; POT1 Tumor Predisposition; Glioma susceptibility 9. Identifiers: Orphanet 618, MedGen C4014476, MONDO:0014368, OMIM 615848.
POT1-related disorder. Also called: POT1-related condition.

Submissions (2):

Labcorp Genetics (formerly Invitae), Labcorp
Classification: Pathogenic for Tumor predisposition syndrome 3. Last evaluated: 2025-10-23. Review status: criteria provided, single submitter. Criteria: Invitae Variant Classification Sherloc (09022015). Collection method: clinical testing. Allele origin: germline.
Comment: This sequence change creates a premature translational stop signal (p.Cys451*) in the POT1 gene. It is expected to result in an absent or disrupted protein product. Loss-of-function variants in POT1 are known to be pathogenic (PMID: 32155570). This variant is not present in population databases (gnomAD no frequency). This variant has not been reported in the literature in individuals affected with POT1-related conditions. For these reasons, this variant has been classified as Pathogenic.

Blueprint Genetics
Classification: Likely pathogenic for POT1-related disorders. Last evaluated: 2024-03-04. Review status: criteria provided, single submitter. Criteria: ACMG Guidelines, 2015. Collection method: clinical testing. Allele origin: germline. Affected: yes. Observed: 1 variant allele.

Literature cited by the submitters: PubMed 32155570 (cited by Labcorp Genetics (formerly Invitae), Labcorp).